The following is an entry in ClinVar:

ClinVar aggregate classification (germline): Pathogenic (1 of 4 stars; one submission).

Conditions:
Alstrom syndrome (ALMS). Identifiers: Orphanet 64, MedGen C0268425, MONDO:0008763, OMIM 203800.

Submission:

Labcorp Genetics (formerly Invitae), Labcorp
Classification: Pathogenic for Alstrom syndrome. Last evaluated: 2021-07-21. Review status: criteria provided, single submitter. Criteria: Invitae Variant Classification Sherloc (09022015). Collection method: clinical testing. Allele origin: germline.
Comment: This variant has not been reported in the literature in individuals affected with ALMS1-related conditions. For these reasons, this variant has been classified as Pathogenic. This variant is not present in population databases (ExAC no frequency). This sequence change creates a premature translational stop signal (p.Pro4021Glnfs*10) in the ALMS1 gene. It is expected to result in an absent or disrupted protein product. Loss-of-function variants in ALMS1 are known to be pathogenic (PMID: 17594715).

Literature cited by the submitters: PubMed 17594715.

NM_001378454.1(ALMS1):c.12059del (p.Pro4020fs)

Genes: ALMS1 (ALMS1 centrosome and basal body associated protein; plus strand), LOC126806252 (BRD4-independent group 4 enhancer GRCh37_chr2:73828496-73829695; plus strand). Cytogenetic location: 2p13.1.
Variant type: Deletion.
Coding change: c.12059del on transcript NM_001378454.1 (MANE Select); coding-DNA position 12059, one base deleted (C; older notation c.12059delC).
Protein change: p.Pro4020fs; shifts the reading frame from proline 4020.
Molecular consequence: frameshift variant.
Genome position (GRCh38, 1-based): chr2:73,601,381, C deleted; the last of 3 consecutive C bases (chr2:73,601,379-73,601,381); deleting any one gives the same sequence. VCF-style (leftmost placement, unchanged base first): chr2-73601378-GC-G. GRCh37 (hg19) VCF-style: chr2-73828505-GC-G.
Other names: c.12062del, p.Pro4021fs (NM_015120.4); short protein forms P4020fs, P4021fs.
Identifiers: ClinVar variation 1427225 (VCV001427225.6), dbSNP rs2104196326, ClinGen allele CA2573135820.